The following is an entry in ClinVar:

NM_003722.5(TP63):c.1788G>A (p.Ala596=)

Gene: TP63 (tumor protein p63; plus strand). Cytogenetic location: 3q28.
Variant type: single nucleotide variant.
Coding change: c.1788G>A on transcript NM_003722.5 (MANE Select); coding-DNA position 1788, G replaced by A.
Protein change: p.Ala596=; no amino-acid change (alanine 596 retained).
Molecular consequence: synonymous variant. On other transcripts: 3 prime UTR variant (6).
Genome position (GRCh38, 1-based): chr3:189,894,247, G>A. VCF-style: chr3-189894247-G-A. GRCh37 (hg19) VCF-style: chr3-189612036-G-A.
Other names: c.*26G>A (NM_001114978.2, NM_001114981.2); c.1506G>A, p.Ala502= (NM_001114980.2); c.*16G>A (NM_001329144.2, NM_001329145.2, NM_001329149.2 and 1 more transcripts); c.1251G>A, p.Ala417= (NM_001329146.2); c.1776G>A, p.Ala592= (NM_001329148.2); c.1782G>A, p.Ala594= (NM_001329964.2).
Identifiers: ClinVar variation 707020 (VCV000707020.18), dbSNP rs148577576, ClinGen allele CA2752578.
Genomic context (GRCh38, chr3:189,894,247, plus strand): 5'-ACCTTCCCCTGTTGCACAGGATCTGGCAAGTCTGAAAATCCCTGAGCAATTTCGACATGC[G>A]ATCTGGAAGGGCATCCTGGACCACCGGCAGCTCCACGAATTCTCCTCCCCTTCTCATCTC-3'
Protein context (NP_003713.3, residues 586-606): SLKIPEQFRH[Ala596=]IWKGILDHRQ

ClinVar aggregate classification (germline): Benign/Likely benign. Review status: criteria provided, multiple submitters, no conflicts (2 of 4 stars). 5 submissions from 5 submitters: Benign (1); Likely benign (3). 1 of the submissions does not count toward it. Last evaluated 2025-10-01.

Conditions:
TP63-related disorder. Also called: TP63-related condition; TP63-Related Disorders. Identifiers: MedGen CN380159.
TP63-Related Spectrum Disorders.
Ankyloblepharon-ectodermal defects-cleft lip/palate syndrome. Also called: Hay-Wells syndrome of ectodermal dysplasia; AEC SYNDROME; Ankyloblepharon-Ectodermal Defects-Cleft Lip/Palate Syndrome (AEC Syndrome); HAY-WELLS SYNDROME; Ankyloblepharon-ectodermal defects, cleft lip/palate. Identifiers: Orphanet 1071, MedGen C0406709, MONDO:0007124, OMIM 106260.
Limb-mammary syndrome (LMS). Also called: Mammary hypoplasia, ectrodactyly, and other hand/foot anomalies. Identifiers: Orphanet 69085, MedGen C1863753, MONDO:0011334, OMIM 603543.
Split hand-foot malformation 4. Also called: Split-Hand/Foot Malformation Type 4 (SHFM4 syndrome); Split-Hand/Foot Malformation Type 4 (SHFM4). Identifiers: Orphanet 2440, MedGen C1854442, MONDO:0011535, OMIM 605289.
Orofacial cleft 8. Also called: Cleft lip with or without cleft palate, nonsyndromic, 8. Identifiers: MedGen C1851878, MONDO:0029145, OMIM 618149.
ADULT syndrome. Also called: ACRO-DERMATO-UNGUAL-LACRIMAL-TOOTH SYNDROME; Acro-Dermo-Ungual-Lacrimal-Tooth Syndrome (ADULT Syndrome); Acro-dermato-ungual-lacrimal-tooth (adult) syndrome. Identifiers: Orphanet 978, MedGen C1863204, MONDO:0007072, OMIM 103285.
Ectrodactyly, ectodermal dysplasia, and cleft lip-palate syndrome 3. Also called: Ectrodactyly, Ectodermal Dysplasia, Clefting Syndrome; Ectrodactyly, Ectodermal Dysplasia, Clefting Syndrome Type 3 (EEC3); EEC SYNDROME 3; Ectrodactyly, Ectodermal Dysplasia, Cleft Lip/Palate Syndrome 3 (EEC3). Identifiers: Orphanet 1896, MedGen C1858562, MONDO:0011428, OMIM 604292.
Rapp-Hodgkin syndrome (RHS). Also called: Isolated Cleft Lip/Cleft Palate (Orofacial Cleft 8); Rapp-Hodgkin ectodermal dysplasia syndrome; ECTODERMAL DYSPLASIA, ANHIDROTIC, WITH CLEFT LIP/PALATE. Identifiers: MedGen C1785148, MONDO:0007508, OMIM 129400.

Allele frequency attached by ClinVar (database versions not stated): ExAC 0.00042; gnomAD exomes 0.00045; 1000 Genomes Project 30x 0.00094; 1000 Genomes Project 0.00100; ESP Exome Variant Server 0.00131; gnomAD 0.00168 and 0.00180; TOPMed 0.00182.
gnomAD v4.1: 529 of 1,613,984 alleles (0.033%); highest among the groups gnomAD compares: African/African-American, 0.56%; 2 homozygotes.

Submissions (5):

CeGaT Center for Human Genetics Tuebingen
Classification: Likely benign. Last evaluated: 2025-10-01. Review status: criteria provided, single submitter. Criteria: CeGaT Center For Human Genetics Tuebingen Variant Classification Criteria Version 2. Collection method: clinical testing. Allele origin: germline. Affected: yes. Observed: 1 variant allele.
Comment: TP63: BP4, BP7

Labcorp Genetics (formerly Invitae), Labcorp
Classification: Benign. Last evaluated: 2024-11-14. Review status: criteria provided, single submitter. Criteria: Invitae Variant Classification Sherloc (09022015). Collection method: clinical testing. Allele origin: germline.

Blueprint Genetics
Classification: Likely benign. Last evaluated: 2024-10-14. Review status: criteria provided, single submitter. Criteria: ACMG Guidelines, 2015. Collection method: clinical testing. Allele origin: germline.

Fulgent Genetics
Classification: Likely benign for ADULT syndrome; Ankyloblepharon-ectodermal defects-cleft lip/palate syndrome; Rapp-Hodgkin syndrome; Limb-mammary syndrome; Ectrodactyly, ectodermal dysplasia, and cleft lip-palate syndrome 3; Split hand-foot malformation 4; Orofacial cleft 8. Last evaluated: 2021-08-09. Review status: criteria provided, single submitter. Criteria: ACMG Guidelines, 2015. Collection method: clinical testing. Allele origin: unknown.

PreventionGenetics, part of Exact Sciences
Classification: Benign for TP63-related condition. Last evaluated: 2019-03-20. Review status: no assertion criteria provided. Collection method: clinical testing. Allele origin: germline. Not counted in ClinVar's aggregate classification.
Comment: This variant is classified as benign based on ACMG/AMP sequence variant interpretation guidelines (Richards et al. 2015 PMID: 25741868, with internal and published modifications).